The following is an entry in ClinVar:

NM_001372.4(DNAH9):c.156_157delinsTT (p.Glu53Ter)

Gene: DNAH9 (dynein axonemal heavy chain 9; plus strand). Cytogenetic location: 17p12.
Variant type: Indel.
Coding change: c.156_157delinsTT on transcript NM_001372.4 (MANE Select); coding-DNA positions 156 to 157, GG replaced by TT.
Protein change: p.Glu53Ter; replaces glutamic acid 53 with a stop codon.
Molecular consequence: nonsense.
Genome position (GRCh38, 1-based): chr17:11,598,654-11,598,655, GG replaced by TT. VCF-style: chr17-11598654-GG-TT. GRCh37 (hg19) VCF-style: chr17-11501971-GG-TT.
Other names: short protein forms E53*.
Identifiers: ClinVar variation 3619132 (VCV003619132.3).

ClinVar aggregate classification (germline): Pathogenic/Likely pathogenic. Review status: criteria provided, multiple submitters, no conflicts (2 of 4 stars). 2 submissions from 2 submitters: Pathogenic (1); Likely pathogenic (1). Last evaluated 2024-05-05.

Conditions:
DNAH9-related disorder. Also called: DNAH9-related condition.

Submissions (2):

Labcorp Genetics (formerly Invitae), Labcorp
Classification: Pathogenic. Last evaluated: 2024-05-05. Review status: criteria provided, single submitter. Criteria: Invitae Variant Classification Sherloc (09022015). Collection method: clinical testing. Allele origin: germline.
Comment: This sequence change creates a premature translational stop signal (p.Glu53*) in the DNAH9 gene. It is expected to result in an absent or disrupted protein product. Loss-of-function variants in DNAH9 are known to be pathogenic (PMID: 30471718). Information on the frequency of this variant in the gnomAD database is not available, as this variant may be reported differently in the database. This variant has not been reported in the literature in individuals affected with DNAH9-related conditions. For these reasons, this variant has been classified as Pathogenic.

Blueprint Genetics
Classification: Likely pathogenic for DNAH9-related disorders. Last evaluated: 2022-07-26. Review status: criteria provided, single submitter. Criteria: ACMG Guidelines, 2015. Collection method: clinical testing. Allele origin: germline. Affected: yes. Observed: 1 variant allele.

Literature cited by the submitters: PubMed 30471718 (cited by Labcorp Genetics (formerly Invitae), Labcorp).